The following is an entry in ClinVar:

ClinVar aggregate classification (germline): Conflicting classifications of pathogenicity. Review status: criteria provided, conflicting classifications (1 of 4 stars). 7 submissions from 7 submitters: Uncertain significance (1); Benign (1); Likely benign (5). Last evaluated 2026-01-04.

Conditions:
Orofaciodigital syndrome I (OFD1). Also called: OFDS I; Oral-Facial-Digital Syndrome Type I; Papillon-Leage and Psaume Syndrome. Identifiers: Orphanet 2750, MedGen C1510460, MONDO:0010702, OMIM 311200.
Joubert syndrome. Also called: JOUBERT-BOLTSHAUSER SYNDROME; Familial aplasia of the vermis. Identifiers: Orphanet 475, MedGen C5979921, MONDO:0018772.
Primary ciliary dyskinesia. Also called: Ciliary dyskinesia. Identifiers: Orphanet 244, MedGen C0008780, MONDO:0016575, HP:0012265.

Allele frequency attached by ClinVar (database versions not stated): TOPMed 0.00024; gnomAD 0.00025 and 0.00027; ESP Exome Variant Server 0.00038; gnomAD exomes 0.00038; ExAC 0.00049.
gnomAD v4.1: 405 of 1,210,364 alleles (0.033%); highest among the groups gnomAD compares: Non-Finnish European, 0.041%; 1 homozygote.

Submissions (7):

Labcorp Genetics (formerly Invitae), Labcorp
Classification: Benign for Orofaciodigital syndrome I; Joubert syndrome. Last evaluated: 2026-01-04. Review status: criteria provided, single submitter. Criteria: Invitae Variant Classification Sherloc (09022015). Collection method: clinical testing. Allele origin: germline.

Blueprint Genetics
Classification: Likely benign. Last evaluated: 2024-11-22. Review status: criteria provided, single submitter. Criteria: ACMG Guidelines, 2015. Collection method: clinical testing. Allele origin: germline.

CeGaT Center for Human Genetics Tuebingen
Classification: Likely benign. Last evaluated: 2024-06-01. Review status: criteria provided, single submitter. Criteria: CeGaT Center For Human Genetics Tuebingen Variant Classification Criteria Version 2. Collection method: clinical testing. Allele origin: germline. Affected: yes. Observed: 2 variant alleles.
Comment: OFD1: BP4, BP7, BS2

GeneDx
Classification: Likely benign. Last evaluated: 2017-06-14. Review status: criteria provided, single submitter. Criteria: GeneDx Variant Classification (06012015). Collection method: clinical testing. Allele origin: germline. Affected: yes.
Comment: This variant is considered likely benign or benign based on one or more of the following criteria: it is a conservative change, it occurs at a poorly conserved position in the protein, it is predicted to be benign by multiple in silico algorithms, and/or has population frequency not consistent with disease.

Ambry Genetics
Classification: Likely benign for Primary ciliary dyskinesia. Last evaluated: 2015-04-17. Review status: criteria provided, single submitter. Criteria: Ambry Variant Classification Scheme 2023. Collection method: clinical testing. Allele origin: germline.

Eurofins Ntd Llc (ga)
Classification: Uncertain significance. Last evaluated: 2014-10-16. Review status: criteria provided, single submitter. Criteria: EGL Classification Definitions 2015. Collection method: clinical testing. Allele origin: germline. Observed: 1 variant allele, 1 heterozygote.

PreventionGenetics, part of Exact Sciences
Classification: Likely benign. Review status: criteria provided, single submitter. Criteria: ACMG Guidelines, 2015. Collection method: clinical testing. Allele origin: germline.

NM_003611.3(OFD1):c.54A>G (p.Glu18=)

Genes: OFD1 (OFD1 centriole and centriolar satellite protein; plus strand), LOC126863212 (CDK7 strongly-dependent group 2 enhancer GRCh37_chrX:13752241-13753440; plus strand). Cytogenetic location: Xp22.2.
Variant type: single nucleotide variant.
Coding change: c.54A>G on transcript NM_003611.3 (MANE Select); coding-DNA position 54, A replaced by G.
Protein change: p.Glu18=; no amino-acid change (glutamic acid 18 retained).
Molecular consequence: synonymous variant. On other transcripts: 5 prime UTR variant (1).
Genome position (GRCh38, 1-based): chrX:13,735,289, A>G. VCF-style: chrX-13735289-A-G. GRCh37 (hg19) VCF-style: chrX-13753408-A-G.
Other names: c.54A>G, p.Glu18= (NM_001330209.2); c.-492A>G (NM_001330210.2).
Identifiers: ClinVar variation 94373 (VCV000094373.45), dbSNP rs147114577, ClinGen allele CA222228.
Genomic context (GRCh38, chrX:13,735,289, plus strand): 5'-TAACCATTTTGTCTTTTAGTCCAACATGTTTACCGTGGCTGATGTGTTGAGTCAAGATGA[A>G]CTGCGCAAAAAGCTATACCAGACGTTTAAGGATCGGGGTATACTGGATACACTCAAGGTA-3'
Protein context (NP_003602.1, residues 8-28): FTVADVLSQD[Glu18=]LRKKLYQTFK